The following is an entry in ClinVar:

NM_007294.4(BRCA1):c.3124A>C (p.Ser1042Arg)

Gene: BRCA1 (BRCA1 DNA repair associated; minus strand). Cytogenetic location: 17q21.31.
Variant type: single nucleotide variant.
Coding change: c.3124A>C on transcript NM_007294.4 (MANE Select); coding-DNA position 3124, A replaced by C.
Protein change: p.Ser1042Arg; replaces serine 1042 with arginine.
Molecular consequence: missense variant. On other transcripts: intron variant (137).
Genome position (GRCh38, 1-based): chr17:43,092,407, T>G on the plus strand (A>C on the coding strand, the complement: BRCA1 is on the minus strand). VCF-style: chr17-43092407-T-G. GRCh37 (hg19) VCF-style: chr17-41244424-T-G.
Other names: c.2923A>C, p.Ser975Arg (NM_001407862.1); c.3001A>C, p.Ser1001Arg (NM_001407863.1, NM_001407919.1, NM_001407648.1 and 19 more transcripts); c.2920A>C, p.Ser974Arg (NM_001407874.1, NM_001407875.1); c.2914A>C, p.Ser972Arg (NM_001407879.1, NM_001407881.1, NM_001407882.1 and 13 more transcripts); c.2911A>C, p.Ser971Arg (NM_001407894.1, NM_001407895.1, NM_001407896.1 and 9 more transcripts); c.2860A>C, p.Ser954Arg (NM_001407920.1, NM_001407921.1, NM_001407926.1 and 9 more transcripts); c.3124A>C, p.Ser1042Arg (NM_001407581.1, NM_001407582.1, NM_001407583.1 and 30 more transcripts); c.3121A>C, p.Ser1041Arg (NM_001407587.1, NM_001407590.1, NM_001407591.1 and 22 more transcripts); and 41 more; short protein forms S1042R, S995R, S1015R, S1016R, S954R, S971R, S972R, S974R.
Identifiers: ClinVar variation 652188 (VCV000652188.12), dbSNP rs1597865563, ClinGen allele CA10595738.

ClinVar aggregate classification (germline): Conflicting classifications of pathogenicity. Review status: criteria provided, conflicting classifications (1 of 4 stars). 2 submissions from 2 submitters: Uncertain significance (1); Likely benign (1). Last evaluated 2023-03-23.

Conditions:
Hereditary cancer-predisposing syndrome. Also called: Neoplastic Syndromes, Hereditary; Tumor predisposition; Hereditary Cancer Syndrome; Hereditary neoplastic syndrome. Identifiers: Orphanet 140162, MedGen C0027672, MeSH D009386, MONDO:0015356.
Hereditary breast ovarian cancer syndrome. Also called: Breast and ovarian cancer; BRCA1- and BRCA2-Associated Hereditary Breast and Ovarian Cancer; Hereditary breast and ovarian cancer; Hereditary breast and/or ovarian cancer syndrome; Hereditary breast and ovarian cancer syndrome; Hereditary breast and ovarian cancer syndrome (HBOC). Identifiers: Orphanet 145, MedGen C0677776, MeSH D061325, MONDO:0003582. Disease mechanism: loss of function.

Submissions (2):

University of Washington Department of Laboratory Medicine, University of Washington
Classification: Likely benign for Hereditary cancer-predisposing syndrome. Last evaluated: 2023-03-23. Review status: criteria provided, single submitter. Criteria: Dines et al. (Genet Med. 2020). Collection method: curation. Allele origin: germline.
Comment: Missense variant in a coldspot region where missense variants are very unlikely to be pathogenic (PMID:31911673).

BRCA1 coldspot (exon 11 using historical exon numbering). Reclassification based on statistical prior probability

Labcorp Genetics (formerly Invitae), Labcorp
Classification: Uncertain significance for Hereditary breast ovarian cancer syndrome. Last evaluated: 2018-11-30. Review status: criteria provided, single submitter. Criteria: Invitae Variant Classification Sherloc (09022015). Collection method: clinical testing. Allele origin: germline.
Comment: In summary, the available evidence is currently insufficient to determine the role of this variant in disease. Therefore, it has been classified as a Variant of Uncertain Significance. Algorithms developed to predict the effect of missense changes on protein structure and function (SIFT, PolyPhen-2, Align-GVGD) all suggest that this variant is likely to be tolerated, but these predictions have not been confirmed by published functional studies and their clinical significance is uncertain. This variant has not been reported in the literature in individuals with BRCA1-related conditions. This variant is not present in population databases (ExAC no frequency). This sequence change replaces serine with arginine at codon 1042 of the BRCA1 protein (p.Ser1042Arg). The serine residue is moderately conserved and there is a moderate physicochemical difference between serine and arginine.